The following is an entry in ClinVar:

NM_002468.5(MYD88):c.862C>T (p.Arg288Cys)

Gene: MYD88 (MYD88 innate immune signal transduction adaptor; plus strand). Cytogenetic location: 3p22.2.
Variant type: single nucleotide variant.
Coding change: c.862C>T on transcript NM_002468.5 (MANE Select); coding-DNA position 862, C replaced by T.
Protein change: p.Arg288Cys; replaces arginine 288 with cysteine.
Molecular consequence: missense variant. On other transcripts: 3 prime UTR variant (5).
Genome position (GRCh38, 1-based): chr3:38,141,257, C>T. VCF-style: chr3-38141257-C-T. GRCh37 (hg19) VCF-style: chr3-38182748-C-T.
Other names: c.*105C>T (NM_001172566.2, NM_001172569.3, NM_001365876.1 and 2 more transcripts); c.886C>T, p.Arg296Cys (NM_001172567.2); c.727C>T, p.Arg243Cys (NM_001172568.2); short protein forms R288C, R243C, R296C, R309C.
Identifiers: ClinVar variation 4693021 (VCV004693021.1).
Genomic context (GRCh38, chr3:38,141,257, plus strand): 5'-CTGAGGTTCATCACTGTCTGCGACTACACCAACCCCTGCACCAAATCTTGGTTCTGGACT[C>T]GCCTTGCCAAGGCCTTGTCCCTGCCCTGAAGACTGTTCTGAGGCCCTGGGTGTGTGTGTA-3'
Protein context (NP_002459.3, residues 278-296): NPCTKSWFWT[Arg288Cys]LAKALSLP

ClinVar aggregate classification (germline): Uncertain significance (1 of 4 stars; one submission).

Conditions:
Pyogenic bacterial infections due to MyD88 deficiency (IMD68). Also called: PYOGENIC BACTERIAL INFECTIONS, RECURRENT, DUE TO MYD88 DEFICIENCY. Identifiers: Orphanet 183713, MedGen C2677092, MONDO:0012839, OMIM 612260.

gnomAD v4.1: 6 of 1,614,118 alleles (0.00037%); highest among the groups gnomAD compares: African/African-American, 0.0027%; no homozygotes.

Submission:

Labcorp Genetics (formerly Invitae), Labcorp
Classification: Uncertain significance for Pyogenic bacterial infections due to MyD88 deficiency. Last evaluated: 2025-05-18. Review status: criteria provided, single submitter. Criteria: Invitae Variant Classification Sherloc (09022015). Collection method: clinical testing. Allele origin: germline.
Comment: This sequence change replaces arginine, which is basic and polar, with cysteine, which is neutral and slightly polar, at codon 301 of the MYD88 protein (p.Arg301Cys). This variant is present in population databases (rs765995806, gnomAD 0.004%). This variant has not been reported in the literature in individuals affected with MYD88-related conditions. An algorithm developed to predict the effect of missense changes on protein structure and function (PolyPhen-2) suggests that this variant is likely to be disruptive. In summary, the available evidence is currently insufficient to determine the role of this variant in disease. Therefore, it has been classified as a Variant of Uncertain Significance.